The following is an entry in ClinVar:

NM_020831.6(MRTFA):c.2206C>T (p.Pro736Ser)

Gene: MRTFA (myocardin related transcription factor A; minus strand). Cytogenetic location: 22q13.1.
Variant type: single nucleotide variant.
Coding change: c.2206C>T on transcript NM_020831.6 (MANE Select); coding-DNA position 2206, C replaced by T.
Protein change: p.Pro736Ser; replaces proline 736 with serine.
Molecular consequence: missense variant.
Genome position (GRCh38, 1-based): chr22:40,418,532, G>A on the plus strand (C>T on the coding strand, the complement: MRTFA is on the minus strand). VCF-style: chr22-40418532-G-A. GRCh37 (hg19) VCF-style: chr22-40814536-G-A.
Other names: c.1906C>T, p.Pro636Ser (NM_001282660.2); c.2056C>T, p.Pro686Ser (NM_001282661.3); c.2206C>T, p.Pro736Ser (NM_001282662.3); c.2011C>T, p.Pro671Ser (NM_001318139.2); short protein forms P671S, P636S, P686S, P736S.
Identifiers: ClinVar variation 3398429 (VCV003398429.3).

ClinVar aggregate classification (germline): Uncertain significance. Review status: criteria provided, multiple submitters, no conflicts (2 of 4 stars). 2 submissions from 2 submitters: Uncertain significance (2). Last evaluated 2024-08-27.

gnomAD v4.1: 3 of 1,584,786 alleles (0.00019%); highest among the groups gnomAD compares: East Asian, 0.0067%; no homozygotes.

Submissions (2):

Ambry Genetics
Classification: Uncertain significance. Last evaluated: 2024-08-27. Review status: criteria provided, single submitter. Criteria: Ambry Variant Classification Scheme 2023. Collection method: clinical testing. Allele origin: germline.

Labcorp Genetics (formerly Invitae), Labcorp
Classification: Uncertain significance. Last evaluated: 2024-06-23. Review status: criteria provided, single submitter. Criteria: Invitae Variant Classification Sherloc (09022015). Collection method: clinical testing. Allele origin: germline.
Comment: This sequence change replaces proline, which is neutral and non-polar, with serine, which is neutral and polar, at codon 636 of the MKL1 protein (p.Pro636Ser). This variant is present in population databases (rs758482858, gnomAD 0.02%). This variant has not been reported in the literature in individuals affected with MKL1-related conditions. An algorithm developed to predict the effect of missense changes on protein structure and function (PolyPhen-2) suggests that this variant is likely to be tolerated. In summary, the available evidence is currently insufficient to determine the role of this variant in disease. Therefore, it has been classified as a Variant of Uncertain Significance.